The following is an entry in ClinVar:

NM_001370259.2(MEN1):c.*2C>T

Gene: MEN1 (menin 1; minus strand). Cytogenetic location: 11q13.1.
Variant type: single nucleotide variant.
Coding change: c.*2C>T on transcript NM_001370259.2 (MANE Select); 2 bases downstream of the stop codon, C replaced by T.
Molecular consequence: 3 prime UTR variant. On other transcripts: non-coding transcript variant (4).
Genome position (GRCh38, 1-based): chr11:64,804,332, G>A on the plus strand (C>T on the coding strand, the complement: MEN1 is on the minus strand). VCF-style: chr11-64804332-G-A. GRCh37 (hg19) VCF-style: chr11-64571804-G-A.
Other names: c.*2C>T (NM_000244.4, NM_001370251.2, NM_001370260.2 and 20 more transcripts).
Identifiers: ClinVar variation 3773368 (VCV003773368.1).
Genomic context (GRCh38, chr11:64,804,332, plus strand): 5'-CAGAGTTGGGGGACTAAGGGCGGAGCCTGGGTCCCCACAAGCGGTCCGAAGTCCCCAGTA[G>A]TTCAGAGGCCTTTGCGCTGCCGCTTGAGGAAAGACAGAGTGTAGTCACTAGGGGTGGACA-3'

ClinVar aggregate classification (germline): Benign (1 of 4 stars; one submission).

Conditions:
Multiple endocrine neoplasia, type 1 (MEN1). Also called: MEN I; WERMER SYNDROME; Endocrine adenomatosis multiple; MEN 1; MEA I. Identifiers: Orphanet 652, MedGen C0025267, MeSH D018761, MONDO:0007540, OMIM 131100.

gnomAD v4.1: 7 of 1,614,108 alleles (0.00043%); highest among the groups gnomAD compares: African/African-American, 0.0027%; no homozygotes.

Submission:

Myriad Genetics, Inc.
Classification: Benign for Multiple endocrine neoplasia, type 1. Last evaluated: 2024-11-05. Review status: criteria provided, single submitter. Criteria: Myriad Autosomal Dominant, Autosomal Recessive and X-Linked Classification Criteria (2023). Collection method: clinical testing. Allele origin: unknown.
Comment: This variant is considered benign. This variant occurs in the non-coding 3' untranslated region of the gene, and is not expected to impact protein function.